The following is an entry in ClinVar:

NM_002519.3(NPAT):c.3869C>G (p.Pro1290Arg)

Gene: NPAT (nuclear protein, coactivator of histone transcription; minus strand). Cytogenetic location: 11q22.3.
Variant type: single nucleotide variant.
Coding change: c.3869C>G on transcript NM_002519.3 (MANE Select); coding-DNA position 3869, C replaced by G.
Protein change: p.Pro1290Arg; replaces proline 1290 with arginine.
Molecular consequence: missense variant.
Genome position (GRCh38, 1-based): chr11:108,161,217, G>C on the plus strand (C>G on the coding strand, the complement: NPAT is on the minus strand). VCF-style: chr11-108161217-G-C. GRCh37 (hg19) VCF-style: chr11-108031944-G-C.
Other names: c.3890C>G, p.Pro1297Arg (NM_001321307.1); short protein forms P1290R, P1297R.
Identifiers: ClinVar variation 1735658 (VCV001735658.2), dbSNP rs764556431, ClinGen allele CA6263506.
Genomic context (GRCh38, chr11:108,161,217, plus strand): 5'-GTGACAGGAGGGACCATTACTTTTGATGTACTACTGTCTTCACTGAAACGCCTACTAGAG[G>C]GGGCCTTGATAATATCTATAGGTTCTTCTTTATGTTTTTCCCCTGCCCCTGAGCCAGGTG-3'
Protein context (NP_002510.2, residues 1280-1300): KEEPIDIIKA[Pro1290Arg]SSRRFSEDSS

ClinVar aggregate classification (germline): Uncertain significance (1 of 4 stars; one submission).

Allele frequency attached by ClinVar (database versions not stated): gnomAD exomes below 0.00001; ExAC 0.00001.
gnomAD v4.1: 1 of 1,614,104 alleles (0.000062%); highest among the groups gnomAD compares: Non-Finnish European, 0.000085%; no homozygotes.

Submission:

Ambry Genetics
Classification: Uncertain significance. Last evaluated: 2021-11-06. Review status: criteria provided, single submitter. Criteria: Ambry Variant Classification Scheme 2023. Collection method: clinical testing. Allele origin: germline.
Comment: The p.P1290R variant (also known as c.3869C>G), located in coding exon 17 of the NPAT gene, results from a C to G substitution at nucleotide position 3869. The proline at codon 1290 is replaced by arginine, an amino acid with dissimilar properties. This amino acid position is conserved. In addition, the in silico prediction for this alteration is inconclusive. Since supporting evidence is limited at this time, the clinical significance of this alteration remains unclear.